The following is an entry in ClinVar:

NM_000521.4(HEXB):c.558+5G>A

Gene: HEXB (hexosaminidase subunit beta; plus strand). Cytogenetic location: 5q13.3.
Variant type: single nucleotide variant.
Coding change: c.558+5G>A on transcript NM_000521.4 (MANE Select); 5 bases into the intron after coding-DNA position 558, G replaced by A.
Molecular consequence: intron variant.
Genome position (GRCh38, 1-based): chr5:74,696,744, G>A. VCF-style: chr5-74696744-G-A. GRCh37 (hg19) VCF-style: chr5-73992569-G-A.
Other names: c.-118+5G>A (NM_001292004.2).
Identifiers: ClinVar variation 554107 (VCV000554107.17), dbSNP rs892920643, ClinGen allele CA120903060.

ClinVar aggregate classification (germline): Conflicting classifications of pathogenicity. Review status: criteria provided, conflicting classifications (1 of 4 stars). 6 submissions from 6 submitters: Pathogenic (2); Likely pathogenic (2); Uncertain significance (1). 1 of the submissions does not count toward it. Last evaluated 2026-04-08.

Conditions:
Sandhoff disease. Also called: Beta-hexosaminidase-beta-subunit deficiency; GM2 gangliosidosis, type 2; Total hexosaminidase deficiency; Sandhoff-Jatzkewitz-Pilz disease; GM2-GANGLIOSIDOSIS, TYPE II; HEXOSAMINIDASES A AND B DEFICIENCY. Identifiers: Orphanet 796, MedGen C0036161, MONDO:0010006, OMIM 268800.

Allele frequency attached by ClinVar (database versions not stated): gnomAD 0.00001; gnomAD exomes 0.00001; TOPMed 0.00002.
gnomAD v4.1: 18 of 1,392,808 alleles (0.0013%); highest among the groups gnomAD compares: Non-Finnish European, 0.0017%; no homozygotes.

Submissions (6):

Myriad Genetics, Inc.
Classification: Uncertain significance for Sandhoff disease. Last evaluated: 2026-04-08. Review status: criteria provided, single submitter. Criteria: Myriad Autosomal Dominant, Autosomal Recessive and X-Linked Classification Criteria (2023). Collection method: clinical testing. Allele origin: unknown.
Comment: NM_000521.3(HEXB):c.558+5G>A is an intronic variant classified as a variant of uncertain significance in the context of Sandhoff disease. c.558+5G>A has been observed in a case with relevant disease (PMID: 23046579). Relevant functional assessments of this variant are available in the literature (PMID: 23046579). c.558+5G>A has not been observed in referenced population frequency databases. In summary, there is insufficient evidence to classify NM_000521.3(HEXB):c.558+5G>A as pathogenic or benign. Please note: this variant was assessed in the context of healthy population screening.

GeneDx
Classification: Pathogenic. Last evaluated: 2025-07-09. Review status: criteria provided, single submitter. Criteria: GeneDx Variant Classification Process June 2021. Collection method: clinical testing. Allele origin: germline. Affected: yes.
Comment: Non-canonical splice site variant demonstrated to result in loss of function (PMID: 23046579); Not observed at significant frequency in large population cohorts (gnomAD); This variant is associated with the following publications: (PMID: 23046579)

Labcorp Genetics (formerly Invitae), Labcorp
Classification: Pathogenic for Sandhoff disease. Last evaluated: 2023-09-21. Review status: criteria provided, single submitter. Criteria: Invitae Variant Classification Sherloc (09022015). Collection method: clinical testing. Allele origin: germline.
Comment: For these reasons, this variant has been classified as Pathogenic. Variants that disrupt the consensus splice site are a relatively common cause of aberrant splicing (PMID: 17576681, 9536098). Studies have shown that this variant results in skipping of exon 4 and introduces a premature termination codon (PMID: 23046579). The resulting mRNA is expected to undergo nonsense-mediated decay. ClinVar contains an entry for this variant (Variation ID: 554107). This variant has been observed in individual(s) with Sandhoff disease (PMID: 23046579). In at least one individual the data is consistent with being in trans (on the opposite chromosome) from a pathogenic variant. This variant is not present in population databases (gnomAD no frequency). This sequence change falls in intron 4 of the HEXB gene. It does not directly change the encoded amino acid sequence of the HEXB protein. RNA analysis indicates that this variant induces altered splicing and may result in an absent or disrupted protein product.

Women's Health and Genetics/Laboratory Corporation of America, LabCorp
Classification: Likely pathogenic for Sandhoff disease. Last evaluated: 2023-04-26. Review status: criteria provided, single submitter. Criteria: LabCorp Variant Classification Summary - May 2015. Collection method: clinical testing. Allele origin: germline.
Comment: Variant summary: HEXB c.558+5G>A alters a conserved nucleotide located close to a canonical splice site and therefore could affect mRNA splicing, leading to a significantly altered protein sequence. Several computational tools predict a significant impact on normal splicing: Three predict the variant abolishes a 5' splicing donor site. At least one publication reports experimental evidence that this variant indeed affects mRNA splicing, resulting in the skipping of exon 4 which leads to a premature truncation (Gaignard_2013). The variant was absent in 244516 control chromosomes (gnomAD). c.558+5G>A has been reported in the literature in one individual affected with Sandhoff Disease, who had a pathogenic variant in trans (Gaignard_2013). These data do not allow for an unequivocal conclusion about variant significance. The following publication has been ascertained in the context of this evaluation (PMID: 23046579). Three clinical diagnostic laboratories have submitted clinical-significance assessments for this variant to ClinVar after 2014 and classified the variant as either pathogenic (n=1)/likely pathogenic (n=1) or VUS (n=1). Based on the evidence outlined above, the variant was classified as likely pathogenic.

Revvity Omics, Revvity
Classification: Likely pathogenic for Sandhoff disease. Last evaluated: 2022-07-07. Review status: criteria provided, single submitter. Criteria: ACMG Guidelines, 2015. Collection method: clinical testing. Allele origin: germline.

Counsyl
Classification: Uncertain significance for Sandhoff disease. Last evaluated: 2017-09-26. Review status: no assertion criteria provided. Collection method: clinical testing. Allele origin: unknown. Not counted in ClinVar's aggregate classification.

Literature cited by the submitters: PubMed 23046579 (cited by 4 submitters); PubMed 17576681 (cited by Labcorp Genetics (formerly Invitae), Labcorp); PubMed 9536098 (cited by Labcorp Genetics (formerly Invitae), Labcorp).